The following is an entry in ClinVar:

NM_001164508.2(NEB):c.6388G>A (p.Ala2130Thr)

Gene: NEB (nebulin; minus strand). Cytogenetic location: 2q23.3.
Variant type: single nucleotide variant.
Coding change: c.6388G>A on transcript NM_001164508.2 (MANE Select); coding-DNA position 6388, G replaced by A.
Protein change: p.Ala2130Thr; replaces alanine 2130 with threonine.
Molecular consequence: missense variant.
Genome position (GRCh38, 1-based): chr2:151,656,260, C>T on the plus strand (G>A on the coding strand, the complement: NEB is on the minus strand). VCF-style: chr2-151656260-C-T. GRCh37 (hg19) VCF-style: chr2-152512774-C-T.
Other names: c.6388G>A (NM_004543.4); c.6388G>A, p.Ala2130Thr (NM_001164507.2, NM_001271208.2, NM_004543.5); short protein forms A2130T.
Identifiers: ClinVar variation 970198 (VCV000970198.40), dbSNP rs756130763, ClinGen allele CA1910111.

ClinVar aggregate classification (germline): Conflicting classifications of pathogenicity. Review status: criteria provided, conflicting classifications (1 of 4 stars). 4 submissions from 4 submitters: Uncertain significance (2); Benign (1). 1 of the submissions does not count toward it. Last evaluated 2026-01-19.

Conditions:
Inborn genetic diseases. Identifiers: MedGen C0950123, MeSH D030342.
Nemaline myopathy 2 (NEM2). Also called: Nemaline myopathy 2, autosomal recessive. Identifiers: MedGen C1850569, MONDO:0009725, OMIM 256030.

Allele frequency attached by ClinVar (database versions not stated): gnomAD 0.00001 and 0.00003; gnomAD exomes 0.00006 and 0.00012; ExAC 0.00009.
gnomAD v4.1: 94 of 1,613,394 alleles (0.0058%); highest among the groups gnomAD compares: South Asian, 0.09%; no homozygotes.

Submissions (4):

Labcorp Genetics (formerly Invitae), Labcorp
Classification: Benign for Nemaline myopathy 2. Last evaluated: 2026-01-19. Review status: criteria provided, single submitter. Criteria: Invitae Variant Classification Sherloc (09022015). Collection method: clinical testing. Allele origin: germline.

Ambry Genetics
Classification: Uncertain significance for Inborn genetic diseases. Last evaluated: 2025-08-12. Review status: criteria provided, single submitter. Criteria: Ambry Variant Classification Scheme 2023. Collection method: clinical testing. Allele origin: germline.

CeGaT Center for Human Genetics Tuebingen
Classification: Uncertain significance. Last evaluated: 2024-10-01. Review status: criteria provided, single submitter. Criteria: CeGaT Center For Human Genetics Tuebingen Variant Classification Criteria Version 2. Collection method: clinical testing. Allele origin: germline. Affected: yes. Observed: 2 variant alleles.
Comment: NEB: PM2, PM5:Supporting, BP4

Natera, Inc.
Classification: Uncertain significance for Nemaline myopathy type 2. Last evaluated: 2020-01-24. Review status: no assertion criteria provided. Collection method: clinical testing. Allele origin: germline. Not counted in ClinVar's aggregate classification.